The following is an entry in ClinVar:

NM_032737.4(LMNB2):c.687G>T (p.Glu229Asp)

Gene: LMNB2 (lamin B2; minus strand). Cytogenetic location: 19p13.3.
Variant type: single nucleotide variant.
Coding change: c.687G>T on transcript NM_032737.4 (MANE Select); coding-DNA position 687, G replaced by T.
Protein change: p.Glu229Asp; replaces glutamic acid 229 with aspartic acid.
Molecular consequence: missense variant.
Genome position (GRCh38, 1-based): chr19:2,435,169, C>A on the plus strand (G>T on the coding strand, the complement: LMNB2 is on the minus strand). VCF-style: chr19-2435169-C-A. GRCh37 (hg19) VCF-style: chr19-2435167-C-A.
Other names: short protein forms E229D.
Identifiers: ClinVar variation 1721563 (VCV001721563.5), dbSNP rs2512236690, ClinGen allele CA403255440.

ClinVar aggregate classification (germline): Uncertain significance (1 of 4 stars; one submission).

Conditions:
Lipodystrophy, partial, acquired, susceptibility to (APLD). Also called: APLD, SUSCEPTIBILITY TO. Identifiers: MedGen C3887501, MONDO:0100476, OMIM 608709.
Progressive myoclonic epilepsy type 9. Identifiers: Orphanet 457265, MedGen C4225289, MONDO:0014685, OMIM 616540.

Submission:

Labcorp Genetics (formerly Invitae), Labcorp
Classification: Uncertain significance for Progressive myoclonic epilepsy type 9; Lipodystrophy, partial, acquired, susceptibility to. Last evaluated: 2022-10-13. Review status: criteria provided, single submitter. Criteria: Invitae Variant Classification Sherloc (09022015). Collection method: clinical testing. Allele origin: germline.
Comment: In summary, the available evidence is currently insufficient to determine the role of this variant in disease. Therefore, it has been classified as a Variant of Uncertain Significance. Algorithms developed to predict the effect of sequence changes on RNA splicing suggest that this variant may disrupt the consensus splice site. Algorithms developed to predict the effect of missense changes on protein structure and function (SIFT, PolyPhen-2, Align-GVGD) all suggest that this variant is likely to be disruptive. This variant has not been reported in the literature in individuals affected with LMNB2-related conditions. This variant is not present in population databases (gnomAD no frequency). This sequence change replaces glutamic acid, which is acidic and polar, with aspartic acid, which is acidic and polar, at codon 229 of the LMNB2 protein (p.Glu229Asp).